The following is an entry in ClinVar:

ClinVar aggregate classification (germline): Uncertain significance. Review status: criteria provided, multiple submitters, no conflicts (2 of 4 stars). 2 submissions from 2 submitters: Uncertain significance (2). Last evaluated 2024-03-06.

Conditions:
Familial thoracic aortic aneurysm and aortic dissection (TAAD). Also called: Thoracic aortic aneurysms and dissections. Identifiers: Orphanet 91387, MedGen C4707243, MONDO:0019625.

Allele frequency attached by ClinVar (database versions not stated): TOPMed below 0.00001; gnomAD exomes 0.00001.
gnomAD v4.1: 15 of 1,582,612 alleles (0.00095%); highest among the groups gnomAD compares: Middle Eastern, 0.018%; no homozygotes.

Submissions (2):

Color Diagnostics, LLC DBA Color Health
Classification: Uncertain significance for Familial thoracic aortic aneurysm and aortic dissection. Last evaluated: 2024-03-06. Review status: criteria provided, single submitter. Criteria: ACMG Guidelines, 2015. Collection method: clinical testing. Allele origin: germline.
Comment: This missense variant replaces arginine with histidine at codon 1739 of the MYH11 protein. Computational prediction suggests that this variant may have deleterious impact on protein structure and function (internally defined REVEL score threshold >= 0.7, PMID: 27666373). To our knowledge, functional studies have not been reported for this variant. This variant has not been reported in individuals affected with MYH11-related disorders in the literature. This variant has not been identified in the general population by the Genome Aggregation Database (gnomAD). The available evidence is insufficient to determine the role of this variant in disease conclusively. Therefore, this variant is classified as a Variant of Uncertain Significance.

All of Us Research Program, National Institutes of Health
Classification: Uncertain significance for Familial thoracic aortic aneurysm and aortic dissection. Last evaluated: 2023-04-27. Review status: criteria provided, single submitter. Criteria: ACMG Guidelines, 2015. Collection method: clinical testing. Allele origin: germline. Inheritance: Autosomal dominant inheritance. Observed: 2 variant alleles, 2 heterozygotes.
Comment: This missense variant replaces arginine with histidine at codon 1739 of the MYH11 protein. Computational prediction tools and conservation analyses suggest that this variant may have deleterious impact on the protein function. Computational splicing tools suggest that this variant may not impact RNA splicing. To our knowledge, functional assays have not been performed for this variant nor has this variant been reported in individuals affected with cardiovascular disorders in the literature. This variant has not been identified in the general population by the Genome Aggregation Database (gnomAD). Available evidence is insufficient to determine the role of this variant in disease conclusively. Therefore, this variant is classified as a Variant of Uncertain Significance.

This study involves interpretation of variants in research participants for the purpose of population health screening. Participant phenotype was not available at the time of variant classification. Additional details can be found in publication PMID: 35346344, PMCID: PMC8962531

NM_002474.3(MYH11):c.5195G>A (p.Arg1732His)

Genes: MYH11 (myosin heavy chain 11; minus strand), NDE1 (nudE neurodevelopment protein 1; plus strand). Cytogenetic location: 16p13.11.
Variant type: single nucleotide variant.
Coding change: c.5195G>A on transcript NM_002474.3 (MANE Select); coding-DNA position 5195, G replaced by A.
Protein change: p.Arg1732His; replaces arginine 1732 with histidine.
Molecular consequence: missense variant. On other transcripts: intron variant (2).
Genome position (GRCh38, 1-based): chr16:15,718,415, C>T on the plus strand (G>A on the coding strand, the complement: MYH11 is on the minus strand). VCF-style: chr16-15718415-C-T. GRCh37 (hg19) VCF-style: chr16-15812272-C-T.
Other names: c.5216G>A, p.Arg1739His (NM_001040113.2, NM_001040114.2); c.5195G>A, p.Arg1732His (NM_022844.3); c.948-5776C>T (NM_001143979.2, NM_017668.3); short protein forms R1732H, R1739H.
Identifiers: ClinVar variation 921659 (VCV000921659.6), dbSNP rs1310012347, ClinGen allele CA394850243.